The following is an entry in ClinVar:

NM_022369.4(STRA6):c.1297C>T (p.Leu433Phe)

Gene: STRA6 (signaling receptor and transporter of retinol STRA6; minus strand). Cytogenetic location: 15q24.1.
Variant type: single nucleotide variant.
Coding change: c.1297C>T on transcript NM_022369.4 (MANE Select); coding-DNA position 1297, C replaced by T.
Protein change: p.Leu433Phe; replaces leucine 433 with phenylalanine.
Molecular consequence: missense variant.
Genome position (GRCh38, 1-based): chr15:74,183,859, G>A on the plus strand (C>T on the coding strand, the complement: STRA6 is on the minus strand). VCF-style: chr15-74183859-G-A. GRCh37 (hg19) VCF-style: chr15-74476200-G-A.
Other names: c.1297C>T, p.Leu433Phe (NM_001142617.2, NM_001142618.2, NM_001437994.1); c.1270C>T, p.Leu424Phe (NM_001142619.2); c.1408C>T, p.Leu470Phe (NM_001199040.2); c.1342C>T, p.Leu448Phe (NM_001199041.2); c.1414C>T, p.Leu472Phe (NM_001199042.2); short protein forms L424F, L433F, L448F, L470F, L472F.
Identifiers: ClinVar variation 5017792 (VCV005017792.1).
Genomic context (GRCh38, chr15:74,183,859, plus strand): 5'-CAGTGTCTGAGGGGAGGCCCAGGCCAAGGCTGGGTGTGGCGGGCAAGGGAGGCTCACCAA[G>A]GCAGATAAAGGCTGTCTGGTAGGCACTGAAGCTCATCCAACAGAATATGGCTTGGCGGGA-3'
Protein context (NP_071764.3, residues 423-443): FSAYQTAFIC[Leu433Phe]GLLVQQIIFF

ClinVar aggregate classification (germline): Uncertain significance (1 of 4 stars; one submission).

Submission:

GeneDx
Classification: Uncertain significance. Last evaluated: 2026-03-31. Review status: criteria provided, single submitter. Criteria: GeneDx Variant Classification Process June 2021. Collection method: clinical testing. Allele origin: germline.
Comment: Not observed at significant frequency in large population cohorts (gnomAD); In silico analysis suggests that this missense variant does not alter protein structure/function; Has not been previously published as pathogenic or benign to our knowledge